The following is an entry in ClinVar:

ClinVar aggregate classification (germline): Uncertain significance. Review status: criteria provided, multiple submitters, no conflicts (2 of 4 stars). 2 submissions from 2 submitters: Uncertain significance (2). Last evaluated 2023-12-12.

Conditions:
Focal segmental glomerulosclerosis 8 (FSGS8). Identifiers: Orphanet 656, MedGen C4014993, MONDO:0014462, OMIM 616032.

Allele frequency attached by ClinVar (database versions not stated): gnomAD 0.00001; gnomAD exomes 0.00002; ExAC 0.00005.
gnomAD v4.1: 33 of 1,597,358 alleles (0.0021%); highest among the groups gnomAD compares: South Asian, 0.036%; no homozygotes.

Submissions (2):

Ambry Genetics
Classification: Uncertain significance. Last evaluated: 2023-12-12. Review status: criteria provided, single submitter. Criteria: Ambry Variant Classification Scheme 2023. Collection method: clinical testing. Allele origin: germline.

Neuberg Centre For Genomic Medicine, NCGM
Classification: Uncertain significance for Focal segmental glomerulosclerosis 8. Review status: criteria provided, single submitter. Criteria: ACMG Guidelines, 2015. Collection method: clinical testing. Allele origin: germline. Inheritance: Autosomal dominant inheritance. Affected: yes.
Comment: The missense variant c.28G>A (p.Glu10Lys) in TBC1D8B gene has not been reported previously as a pathogenic variant nor as a benign variant, to our knowledge. The p.Glu10Lys variant is 0.003% alleles in gnomAD Exomes and is novel (not in any individuals) in 1000 Genomes. The amino acid change p.Glu10Lys in ANLN is predicted as conserved by GERP++ and PhyloP across 100 vertebrates. The variant is predicted to be damaging by both SIFT and PolyPhen2. The residue is conserved across species. For these reasons, this variant has been classified as Uncertain Significance.

NM_018685.5(ANLN):c.28G>A (p.Glu10Lys)

Gene: ANLN (anillin, actin binding protein; plus strand). Cytogenetic location: 7p14.2.
Variant type: single nucleotide variant.
Coding change: c.28G>A on transcript NM_018685.5 (MANE Select); coding-DNA position 28, G replaced by A.
Protein change: p.Glu10Lys; replaces glutamic acid 10 with lysine.
Molecular consequence: missense variant.
Genome position (GRCh38, 1-based): chr7:36,396,275, G>A. VCF-style: chr7-36396275-G-A. GRCh37 (hg19) VCF-style: chr7-36435884-G-A.
Other names: c.28G>A, p.Glu10Lys (NM_001284301.3, NM_001284302.3); c.28G>A (NM_018685.2); short protein forms E10K.
Identifiers: ClinVar variation 2585263 (VCV002585263.2), dbSNP rs745505783, ClinGen allele CA4219247.